The following is an entry in ClinVar:

ClinVar aggregate classification (germline): Uncertain significance (1 of 4 stars; one submission).

Conditions:
Dilated cardiomyopathy 1W (CMD1W). Identifiers: Orphanet 154, MedGen C1969639, MONDO:0012667, OMIM 611407.

Submission:

Labcorp Genetics (formerly Invitae), Labcorp
Classification: Uncertain significance for Dilated cardiomyopathy 1W. Last evaluated: 2025-04-02. Review status: criteria provided, single submitter. Criteria: Invitae Variant Classification Sherloc (09022015). Collection method: clinical testing. Allele origin: germline.
Comment: This sequence change replaces alanine, which is neutral and non-polar, with threonine, which is neutral and polar, at codon 461 of the VCL protein (p.Ala461Thr). This variant is not present in population databases (gnomAD no frequency). This variant has not been reported in the literature in individuals affected with VCL-related conditions. An algorithm developed to predict the effect of missense changes on protein structure and function (PolyPhen-2) suggests that this variant is likely to be disruptive. In summary, the available evidence is currently insufficient to determine the role of this variant in disease. Therefore, it has been classified as a Variant of Uncertain Significance.

NM_014000.3(VCL):c.1381G>A (p.Ala461Thr)

Gene: VCL (vinculin; plus strand). Cytogenetic location: 10q22.2.
Variant type: single nucleotide variant.
Coding change: c.1381G>A on transcript NM_014000.3 (MANE Select); coding-DNA position 1381, G replaced by A.
Protein change: p.Ala461Thr; replaces alanine 461 with threonine.
Molecular consequence: missense variant.
Genome position (GRCh38, 1-based): chr10:74,094,299, G>A. VCF-style: chr10-74094299-G-A. GRCh37 (hg19) VCF-style: chr10-75854057-G-A.
Other names: c.1381G>A, p.Ala461Thr (NM_003373.4); short protein forms A461T.
Identifiers: ClinVar variation 4807273 (VCV004807273.1).